The following is an entry in ClinVar:

ClinVar aggregate classification (germline): Uncertain significance (1 of 4 stars; one submission).

Conditions:
Hereditary cancer-predisposing syndrome. Also called: Tumor predisposition; Hereditary neoplastic syndrome; Hereditary Cancer Syndrome; Neoplastic Syndromes, Hereditary. Identifiers: Orphanet 140162, MedGen C0027672, MeSH D009386, MONDO:0015356.

Submission:

Ambry Genetics
Classification: Uncertain significance for Hereditary cancer-predisposing syndrome. Last evaluated: 2025-06-06. Review status: criteria provided, single submitter. Criteria: Ambry Variant Classification Scheme 2023. Collection method: clinical testing. Allele origin: germline.
Comment: The p.P23T variant (also known as c.67C>A), located in coding exon 1 of the SUFU gene, results from a C to A substitution at nucleotide position 67. The proline at codon 23 is replaced by threonine, an amino acid with highly similar properties. This amino acid position is conserved. In addition, the in silico prediction for this alteration is inconclusive. Based on the available evidence, the clinical significance of this variant remains unclear.

NM_016169.4(SUFU):c.67C>A (p.Pro23Thr)

Genes: SUFU (SUFU negative regulator of hedgehog signaling; plus strand), LOC130004614 (ATAC-STARR-seq lymphoblastoid silent region 2764; plus strand). Cytogenetic location: 10q24.32.
Variant type: single nucleotide variant.
Coding change: c.67C>A on transcript NM_016169.4 (MANE Select); coding-DNA position 67, C replaced by A.
Protein change: p.Pro23Thr; replaces proline 23 with threonine.
Molecular consequence: missense variant.
Genome position (GRCh38, 1-based): chr10:102,504,219, C>A. VCF-style: chr10-102504219-C-A. GRCh37 (hg19) VCF-style: chr10-104263976-C-A.
Other names: c.67C>A, p.Pro23Thr (NM_001178133.2); short protein forms P23T.
Identifiers: ClinVar variation 3963873 (VCV003963873.1).